The following is an entry in ClinVar:

NM_000138.5(FBN1):c.1462T>C (p.Cys488Arg)

Gene: FBN1 (fibrillin 1; minus strand). Cytogenetic location: 15q21.1.
Variant type: single nucleotide variant.
Coding change: c.1462T>C on transcript NM_000138.5 (MANE Select); coding-DNA position 1462, T replaced by C.
Protein change: p.Cys488Arg; replaces cysteine 488 with arginine.
Molecular consequence: missense variant.
Genome position (GRCh38, 1-based): chr15:48,515,393, A>G on the plus strand (T>C on the coding strand, the complement: FBN1 is on the minus strand). VCF-style: chr15-48515393-A-G. GRCh37 (hg19) VCF-style: chr15-48807590-A-G.
Other names: short protein forms C488R.
Identifiers: ClinVar variation 457162 (VCV000457162.13), dbSNP rs1555400373, ClinGen allele CA392343563.

ClinVar aggregate classification (germline): Pathogenic/Likely pathogenic. Review status: criteria provided, multiple submitters, no conflicts (2 of 4 stars). 5 submissions from 5 submitters: Pathogenic (1); Likely pathogenic (3). 1 of the submissions does not count toward it. Last evaluated 2024-08-12.

Conditions:
Weill-Marchesani syndrome 2, dominant. Also called: FBN1-Related Weill-Marchesani Syndrome; Weill-Marchesani Syndrome, Autosomal Dominant. Identifiers: Orphanet 2084, MedGen C1869115, MONDO:0012013, OMIM 608328.
Ectopia lentis 1, isolated, autosomal dominant (ECTOL1). Identifiers: Orphanet 1885, MedGen C3541518, MONDO:0007514, OMIM 129600.
Marfan syndrome (MFS). Also called: MARFAN SYNDROME, TYPE I; FBN1-Related Marfan Syndrome; Marfan syndrome type 1; Marfan's syndrome; Marfan syndrome, classic. Identifiers: Orphanet 284963, Orphanet 558, MedGen C0024796, MONDO:0007947, OMIM 154700.
Stiff skin syndrome (SSKS). Identifiers: Orphanet 2833, MedGen C1861456, MONDO:0008492, OMIM 184900.
Acromicric dysplasia (ACMICD). Also called: Acromicric skeletal dysplasia. Identifiers: Orphanet 969, MedGen C0265287, MONDO:0007055, OMIM 102370.
Progeroid and marfanoid aspect-lipodystrophy syndrome. Also called: MARFANOID-PROGEROID SYNDROME; MARFAN-PROGEROID-LIPODYSTROPHY SYNDROME; Marfan lipodystrophy syndrome; MARFANOID-PROGEROID-LIPODYSTROPHY SYNDROME. Identifiers: Orphanet 300382, MedGen C4310796, MONDO:0014831, OMIM 616914.
MASS syndrome (OCTD). Also called: MASS PHENOTYPE; OVERLAP CONNECTIVE TISSUE DISEASE. Identifiers: MedGen C1858556, MONDO:0011431, OMIM 604308.
Geleophysic dysplasia 2 (GPHYSD2). Identifiers: Orphanet 2623, MedGen C3280054, MONDO:0013612, OMIM 614185.
Familial thoracic aortic aneurysm and aortic dissection (TAAD). Also called: Thoracic aortic aneurysms and dissections. Identifiers: Orphanet 91387, MedGen C4707243, MONDO:0019625.

Submissions (5):

Labcorp Genetics (formerly Invitae), Labcorp
Classification: Pathogenic for Marfan syndrome; Familial thoracic aortic aneurysm and aortic dissection. Last evaluated: 2024-08-12. Review status: criteria provided, single submitter. Criteria: Invitae Variant Classification Sherloc (09022015). Collection method: clinical testing. Allele origin: germline.
Comment: This sequence change replaces cysteine, which is neutral and slightly polar, with arginine, which is basic and polar, at codon 488 of the FBN1 protein (p.Cys488Arg). This variant is not present in population databases (gnomAD no frequency). This missense change has been observed in individuals with clinical features of Marfan syndrome (PMID: 18435798; Invitae). ClinVar contains an entry for this variant (Variation ID: 457162). Advanced modeling of protein sequence and biophysical properties (such as structural, functional, and spatial information, amino acid conservation, physicochemical variation, residue mobility, and thermodynamic stability) performed at Invitae indicates that this missense variant is expected to disrupt FBN1 protein function with a positive predictive value of 95%. This variant affects a cysteine residue in the EGF-like, TGFBP or hybrid motif domains of FBN1. Cysteine residues are believed to be involved in intramolecular disulfide bridges and have been shown to be important for FBN1 protein structure (PMID: 16905551, 19349279). In addition, missense substitutions affecting cysteine residues within these domains are significantly overrepresented among patients with Marfan syndrome (PMID: 16571647, 17701892). For these reasons, this variant has been classified as Pathogenic.

CHEO Genetics Diagnostic Laboratory, Children's Hospital of Eastern Ontario
Classification: Likely pathogenic for Familial thoracic aortic aneurysm and aortic dissection. Last evaluated: 2019-09-19. Review status: criteria provided, single submitter. Criteria: ACMG Guidelines, 2015. Collection method: clinical testing. Allele origin: germline.

Fulgent Genetics
Classification: Likely pathogenic for Acromicric dysplasia; Ectopia lentis 1, isolated, autosomal dominant; Marfan syndrome; Stiff skin syndrome; MASS syndrome; Weill-Marchesani syndrome 2, dominant; Geleophysic dysplasia 2; Progeroid and marfanoid aspect-lipodystrophy syndrome. Last evaluated: 2018-10-31. Review status: criteria provided, single submitter. Criteria: ACMG Guidelines, 2015. Collection method: clinical testing. Allele origin: unknown.

Juno Genomics, Hangzhou Juno Genomics, Inc
Classification: Likely pathogenic for Stiff skin syndrome; Weill-Marchesani syndrome 2, dominant; Acromicric dysplasia; Ectopia lentis 1, isolated, autosomal dominant; Geleophysic dysplasia 2; Progeroid and marfanoid aspect-lipodystrophy syndrome; Marfan syndrome; MASS syndrome. Review status: criteria provided, single submitter. Criteria: ACMG Guidelines, 2015. Collection method: clinical testing. Allele origin: germline. Affected: yes.
Comment: Absent from controls (or at extremely low frequency if recessive) in Genome Aggregation Database, Exome Sequencing Project, 1000 Genomes Project, or Exome Aggregation Consortium.;Multiple lines of computational evidence support a deleterious effect on the gene or gene product (conservation, evolutionary, splicing impact, etc).;Missense variant in a gene that has a low rate of benign missense variation and where missense variants are a common mechanism of disease.;Located in a mutational hot spot and/or critical and well-established functional domain (e.g. active site of an enzyme) without benign variation.;Patient's phenotype or family history is highly specific for a disease with a single genetic etiology.

Center for Medical Genetics Ghent, University of Ghent
Classification: Likely pathogenic for Marfan syndrome. Last evaluated: 2017-11-07. Review status: no assertion criteria provided. Collection method: clinical testing. Allele origin: germline. Affected: yes. Not counted in ClinVar's aggregate classification.

Literature cited by the submitters: PubMed 18435798 (cited by Labcorp Genetics (formerly Invitae), Labcorp); PubMed 16905551 (cited by Labcorp Genetics (formerly Invitae), Labcorp); PubMed 19349279 (cited by Labcorp Genetics (formerly Invitae), Labcorp); PubMed 16571647 (cited by Labcorp Genetics (formerly Invitae), Labcorp); PubMed 17701892 (cited by Labcorp Genetics (formerly Invitae), Labcorp).